The following is an entry in ClinVar:

NM_012213.3(MLYCD):c.1433A>G (p.Glu478Gly)

Gene: MLYCD (malonyl-CoA decarboxylase; plus strand). Cytogenetic location: 16q23.3.
Variant type: single nucleotide variant.
Coding change: c.1433A>G on transcript NM_012213.3 (MANE Select); coding-DNA position 1433, A replaced by G.
Protein change: p.Glu478Gly; replaces glutamic acid 478 with glycine.
Molecular consequence: missense variant.
Genome position (GRCh38, 1-based): chr16:83,915,440, A>G. VCF-style: chr16-83915440-A-G. GRCh37 (hg19) VCF-style: chr16-83949045-A-G.
Other names: short protein forms E478G.
Identifiers: ClinVar variation 320739 (VCV000320739.6), dbSNP rs200078965, ClinGen allele CA8197638.
Genomic context (GRCh38, chr16:83,915,440, plus strand): 5'-TGGAGGAGACGGGCCCCAACAGCACCTCCTACCTCGGCTCCAAGATCATCAAAGCCTCTG[A>G]GCAGGTCCTCAGCCTAGTGGCCCAGTTTCAAAAGAACAGCAAGCTCTGACAGTAAACCTC-3'
Protein context (NP_036345.2, residues 468-488): YLGSKIIKAS[Glu478Gly]QVLSLVAQFQ

ClinVar aggregate classification (germline): Uncertain significance. Review status: criteria provided, multiple submitters, no conflicts (2 of 4 stars). 2 submissions from 2 submitters: Uncertain significance (2). Last evaluated 2022-08-16.

Conditions:
Deficiency of malonyl-CoA decarboxylase. Also called: Malonic aciduria; MCD deficiency. Identifiers: Orphanet 943, MedGen C0342793, MONDO:0009556, OMIM 248360.

Allele frequency attached by ClinVar (database versions not stated): ExAC 0.00006; ESP Exome Variant Server 0.00008; gnomAD exomes 0.00008 and 0.00025; gnomAD 0.00014 and 0.00015; TOPMed 0.00015.
gnomAD v4.1: 383 of 1,613,458 alleles (0.024%); highest among the groups gnomAD compares: Non-Finnish European, 0.03%; no homozygotes.

Submissions (2):

Labcorp Genetics (formerly Invitae), Labcorp
Classification: Uncertain significance for Deficiency of malonyl-CoA decarboxylase. Last evaluated: 2022-08-16. Review status: criteria provided, single submitter. Criteria: Invitae Variant Classification Sherloc (09022015). Collection method: clinical testing. Allele origin: germline.
Comment: This sequence change replaces glutamic acid, which is acidic and polar, with glycine, which is neutral and non-polar, at codon 478 of the MLYCD protein (p.Glu478Gly). This variant is present in population databases (rs200078965, gnomAD 0.02%). This variant has not been reported in the literature in individuals affected with MLYCD-related conditions. ClinVar contains an entry for this variant (Variation ID: 320739). Advanced modeling of protein sequence and biophysical properties (such as structural, functional, and spatial information, amino acid conservation, physicochemical variation, residue mobility, and thermodynamic stability) performed at Invitae indicates that this missense variant is expected to disrupt MLYCD protein function. In summary, the available evidence is currently insufficient to determine the role of this variant in disease. Therefore, it has been classified as a Variant of Uncertain Significance.

Illumina Laboratory Services, Illumina
Classification: Uncertain significance for Deficiency of malonyl-CoA decarboxylase. Last evaluated: 2018-01-12. Review status: criteria provided, single submitter. Criteria: ICSL Variant Classification Criteria 13 December 2019. Collection method: clinical testing. Allele origin: germline.